The following is an entry in ClinVar:

ClinVar aggregate classification (germline): Uncertain significance. Review status: criteria provided, multiple submitters, no conflicts (2 of 4 stars). 2 submissions from 2 submitters: Uncertain significance (2). Last evaluated 2025-05-12.

Conditions:
Hereditary cancer-predisposing syndrome. Also called: Neoplastic Syndromes, Hereditary; Tumor predisposition; Hereditary Cancer Syndrome; Hereditary neoplastic syndrome. Identifiers: Orphanet 140162, MedGen C0027672, MeSH D009386, MONDO:0015356.
Hereditary breast ovarian cancer syndrome. Also called: Hereditary breast and ovarian cancer; BRCA1- and BRCA2-Associated Hereditary Breast and Ovarian Cancer; Hereditary breast and ovarian cancer syndrome; Hereditary breast and ovarian cancer syndrome (HBOC); Breast and ovarian cancer; Hereditary breast and/or ovarian cancer syndrome. Identifiers: Orphanet 145, MedGen C0677776, MeSH D061325, MONDO:0003582. Disease mechanism: loss of function.

Allele frequency attached by ClinVar (database versions not stated): gnomAD exomes below 0.00001.
gnomAD v4.1: 1 of 1,614,026 alleles (0.000062%); highest among the groups gnomAD compares: South Asian, 0.0011%; no homozygotes.

Submissions (2):

Color Diagnostics, LLC DBA Color Health
Classification: Uncertain significance for Hereditary cancer-predisposing syndrome. Last evaluated: 2025-05-12. Review status: criteria provided, single submitter. Criteria: ACMG Guidelines, 2015. Collection method: clinical testing. Allele origin: germline.
Comment: This missense variant replaces leucine with proline at codon 398 of the BRCA2 protein. Computational prediction suggests that this variant may not impact protein structure and function. To our knowledge, functional studies have not been reported for this variant. This variant has not been reported in individuals affected with BRCA2-related disorders in the literature. This variant has been detected in 1 individual older than age 70 years who has never had cancer (FLOSSIES database). This variant has not been identified in the general population by the Genome Aggregation Database (gnomAD). The available evidence is insufficient to determine the role of this variant in disease conclusively. Therefore, this variant is classified as a Variant of Uncertain Significance.

Labcorp Genetics (formerly Invitae), Labcorp
Classification: Uncertain significance for Hereditary breast ovarian cancer syndrome. Last evaluated: 2023-01-28. Review status: criteria provided, single submitter. Criteria: Invitae Variant Classification Sherloc (09022015). Collection method: clinical testing. Allele origin: germline.
Comment: In summary, the available evidence is currently insufficient to determine the role of this variant in disease. Therefore, it has been classified as a Variant of Uncertain Significance. Advanced modeling of protein sequence and biophysical properties (such as structural, functional, and spatial information, amino acid conservation, physicochemical variation, residue mobility, and thermodynamic stability) performed at Invitae indicates that this missense variant is not expected to disrupt BRCA2 protein function. This variant has not been reported in the literature in individuals affected with BRCA2-related conditions. This variant is not present in population databases (gnomAD no frequency). This sequence change replaces leucine, which is neutral and non-polar, with proline, which is neutral and non-polar, at codon 398 of the BRCA2 protein (p.Leu398Pro).

NM_000059.4(BRCA2):c.1193T>C (p.Leu398Pro)

Gene: BRCA2 (BRCA2 DNA repair associated; plus strand). Cytogenetic location: 13q13.1.
Variant type: single nucleotide variant.
Coding change: c.1193T>C on transcript NM_000059.4 (MANE Select); coding-DNA position 1193, T replaced by C.
Protein change: p.Leu398Pro; replaces leucine 398 with proline.
Molecular consequence: missense variant. On other transcripts: non-coding transcript variant (1), intron variant (1).
Genome position (GRCh38, 1-based): chr13:32,332,671, T>C. VCF-style: chr13-32332671-T-C. GRCh37 (hg19) VCF-style: chr13-32906808-T-C.
Other names: c.1193T>C, p.Leu398Pro (NM_001406719.1, NM_001406720.1, NM_001406721.1); c.424+1641T>C (NM_001406722.1); short protein forms L398P.
Identifiers: ClinVar variation 2832461 (VCV002832461.4), dbSNP rs2548519786, ClinGen allele CA387762034.